The following is an entry in ClinVar:

NM_015559.3(SETBP1):c.2480G>A (p.Trp827Ter)

Gene: SETBP1 (SET binding protein 1; plus strand). Cytogenetic location: 18q12.3.
Variant type: single nucleotide variant.
Coding change: c.2480G>A on transcript NM_015559.3 (MANE Select); coding-DNA position 2480, G replaced by A.
Protein change: p.Trp827Ter; replaces tryptophan 827 with a stop codon.
Molecular consequence: nonsense.
Genome position (GRCh38, 1-based): chr18:44,951,820, G>A. VCF-style: chr18-44951820-G-A. GRCh37 (hg19) VCF-style: chr18-42531785-G-A.
Other names: c.2480G>A, p.Trp827Ter (NM_001379141.1, NM_001379142.1); short protein forms W827*.
Identifiers: ClinVar variation 1434259 (VCV001434259.6), dbSNP rs2145105037, ClinGen allele CA402321455.

ClinVar aggregate classification (germline): Pathogenic (1 of 4 stars; one submission).

Submission:

Labcorp Genetics (formerly Invitae), Labcorp
Classification: Pathogenic. Last evaluated: 2021-08-26. Review status: criteria provided, single submitter. Criteria: Invitae Variant Classification Sherloc (09022015). Collection method: clinical testing. Allele origin: germline.
Comment: For these reasons, this variant has been classified as Pathogenic. This variant has not been reported in the literature in individuals affected with SETBP1-related conditions. This variant is not present in population databases (ExAC no frequency). This sequence change creates a premature translational stop signal (p.Trp827*) in the SETBP1 gene. It is expected to result in an absent or disrupted protein product. Loss-of-function variants in SETBP1 are known to be pathogenic (PMID: 21037274, 25217958).

Literature cited by the submitters: PubMed 21037274; PubMed 25217958.